The following is an entry in ClinVar:

ClinVar aggregate classification (germline): Uncertain significance (1 of 4 stars; one submission).

Submission:

Labcorp Genetics (formerly Invitae), Labcorp
Classification: Uncertain significance. Last evaluated: 2024-11-05. Review status: criteria provided, single submitter. Criteria: Invitae Variant Classification Sherloc (09022015). Collection method: clinical testing. Allele origin: germline.
Comment: This sequence change replaces valine, which is neutral and non-polar, with phenylalanine, which is neutral and non-polar, at codon 476 of the TAB2 protein (p.Val476Phe). This variant is not present in population databases (gnomAD no frequency). This variant has not been reported in the literature in individuals affected with TAB2-related conditions. ClinVar contains an entry for this variant (Variation ID: 2015637). Invitae Evidence Modeling of protein sequence and biophysical properties (such as structural, functional, and spatial information, amino acid conservation, physicochemical variation, residue mobility, and thermodynamic stability) indicates that this missense variant is not expected to disrupt TAB2 protein function with a negative predictive value of 80%. In summary, the available evidence is currently insufficient to determine the role of this variant in disease. Therefore, it has been classified as a Variant of Uncertain Significance.

NM_001292034.3(TAB2):c.1426G>T (p.Val476Phe)

Genes: TAB2 (TGF-beta activated kinase 1 (MAP3K7) binding protein 2; plus strand), LOC126859827 (BRD4-independent group 4 enhancer GRCh37_chr6:149699707-149700906; plus strand). Cytogenetic location: 6q25.1.
Variant type: single nucleotide variant.
Coding change: c.1426G>T on transcript NM_001292034.3 (MANE Select); coding-DNA position 1426, G replaced by T.
Protein change: p.Val476Phe; replaces valine 476 with phenylalanine.
Molecular consequence: missense variant.
Genome position (GRCh38, 1-based): chr6:149,379,341, G>T. VCF-style: chr6-149379341-G-T. GRCh37 (hg19) VCF-style: chr6-149700477-G-T.
Other names: c.1330G>T, p.Val444Phe (NM_001292035.3); c.1426G>T, p.Val476Phe (NM_001369506.1, NM_015093.6); short protein forms V444F, V476F.
Identifiers: ClinVar variation 2015637 (VCV002015637.4), dbSNP rs2483397203, ClinGen allele CA365999426.